The following is an entry in ClinVar:

ClinVar aggregate classification (germline): Uncertain significance (1 of 4 stars; one submission).

Conditions:
Kabuki syndrome. Also called: NIIKAWA-KUROKI SYNDROME; Kabuki make-up syndrome. Identifiers: Orphanet 2322, MedGen C0796004, MONDO:0016512.

Submission:

Labcorp Genetics (formerly Invitae), Labcorp
Classification: Uncertain significance for Kabuki syndrome. Last evaluated: 2025-09-29. Review status: criteria provided, single submitter. Criteria: Invitae Variant Classification Sherloc (09022015). Collection method: clinical testing. Allele origin: germline.
Comment: This variant, c.11217_11237del, results in the deletion of 7 amino acid(s) of the KMT2D protein (p.Gln3739_Gln3745del), but otherwise preserves the integrity of the reading frame. This variant is not present in population databases (gnomAD no frequency). This variant has not been reported in the literature in individuals affected with KMT2D-related conditions. This variant disrupts a region of the KMT2D protein in which other variant(s) (p.Gln3744_Gln3745del) have been observed in individuals with KMT2D-related conditions (PMID: 28884922). This suggests that this is a clinically significant region of the protein, and that variants that disrupt it are likely to be disease-causing. In summary, the available evidence is currently insufficient to determine the role of this variant in disease. Therefore, it has been classified as a Variant of Uncertain Significance.

Literature cited by the submitters: PubMed 28884922.

NM_003482.4(KMT2D):c.11217_11237del (p.Gln3739_Gln3745del)

Gene: KMT2D (lysine methyltransferase 2D; minus strand). Cytogenetic location: 12q13.12.
Variant type: Deletion.
Coding change: c.11217_11237del on transcript NM_003482.4 (MANE Select); coding-DNA positions 11217 to 11237, 21 bases deleted (GCAGCAACAGCAGCAGCAGCA).
Protein change: p.Gln3739_Gln3745del.
Molecular consequence: inframe deletion.
Genome position (GRCh38, 1-based): chr12:49,033,468-49,033,488, TGCTGCTGCTGCTGTTGCTGC deleted on the plus strand (GCAGCAACAGCAGCAGCAGCA on the coding strand, the reverse complement: KMT2D is on the minus strand); deleting any 21 consecutive bases within chr12:49,033,468-49,033,502 gives the same sequence; the c. name uses the placement nearest the transcript's 3' end. VCF-style (leftmost placement, unchanged base first): chr12-49033467-GTGCTGCTGCTGCTGTTGCTGC-G. GRCh37 (hg19) VCF-style: chr12-49427250-GTGCTGCTGCTGCTGTTGCTGC-G.
Identifiers: ClinVar variation 4691163 (VCV004691163.1).